The following is an entry in ClinVar:

ClinVar aggregate classification (germline): Uncertain significance (1 of 4 stars; one submission).

Conditions:
Synpolydactyly type 2. Also called: SYNPOLYDACTYLY, 3/3-PRIME/4, ASSOCIATED WITH METACARPAL AND METATARSAL SYNOSTOSES. Identifiers: Orphanet 295197, Orphanet 93403, MedGen C1842422, MONDO:0011984, OMIM 608180.

gnomAD v4.1: 2 of 1,614,162 alleles (0.00012%); highest among the groups gnomAD compares: Non-Finnish European, 0.00017%; no homozygotes.

Submission:

3billion
Classification: Uncertain significance for Synpolydactyly type 2. Last evaluated: 2025-02-06. Review status: criteria provided, single submitter. Criteria: ACMG Guidelines, 2015. Collection method: clinical testing. Allele origin: germline. Affected: yes.
Comment: The variant is observed at an extremely low frequency in the gnomAD v4.1.0 dataset (total allele frequency: <0.001%). Predicted Consequence/Location: Missense variant In silico tool predictions suggest damaging effect of the variant on gene or gene product [REVEL: 0.64 (>=0.6, sensitivity 0.68 and specificity 0.92)]. Therefore, this variant is classified as VUS according to the recommendation of ACMG/AMP guideline.

NM_006486.3(FBLN1):c.1922T>C (p.Leu641Pro)

Gene: FBLN1 (fibulin 1; plus strand). Cytogenetic location: 22q13.31.
Variant type: single nucleotide variant.
Coding change: c.1922T>C on transcript NM_006486.3 (MANE Select); coding-DNA position 1922, T replaced by C.
Protein change: p.Leu641Pro; replaces leucine 641 with proline.
Molecular consequence: missense variant.
Genome position (GRCh38, 1-based): chr22:45,577,058, T>C. VCF-style: chr22-45577058-T-C. GRCh37 (hg19) VCF-style: chr22-45972938-T-C.
Other names: short protein forms L641P.
Identifiers: ClinVar variation 4292493 (VCV004292493.1).